The following is an entry in ClinVar:

ClinVar aggregate classification (germline): Uncertain significance. Review status: criteria provided, multiple submitters, no conflicts (2 of 4 stars). 2 submissions from 2 submitters: Uncertain significance (2). Last evaluated 2026-01-27.

Allele frequency attached by ClinVar (database versions not stated): gnomAD 0.00001; gnomAD exomes 0.00001; TOPMed 0.00002.
gnomAD v4.1: 15 of 1,612,566 alleles (0.00093%); highest among the groups gnomAD compares: Middle Eastern, 0.016%; no homozygotes.

Submissions (2):

GeneDx
Classification: Uncertain significance. Last evaluated: 2026-01-27. Review status: criteria provided, single submitter. Criteria: GeneDx Variant Classification Process June 2021. Collection method: clinical testing. Allele origin: germline.
Comment: Not observed at significant frequency in large population cohorts (gnomAD); In silico analysis suggests that this missense variant does not alter protein structure/function; Has not been previously published as pathogenic or benign to our knowledge

Labcorp Genetics (formerly Invitae), Labcorp
Classification: Uncertain significance. Last evaluated: 2022-07-23. Review status: criteria provided, single submitter. Criteria: Invitae Variant Classification Sherloc (09022015). Collection method: clinical testing. Allele origin: germline.
Comment: This sequence change replaces glycine, which is neutral and non-polar, with alanine, which is neutral and non-polar, at codon 502 of the ATP6V1B1 protein (p.Gly502Ala). This variant is present in population databases (no rsID available, gnomAD 0.004%). This variant has not been reported in the literature in individuals affected with ATP6V1B1-related conditions. Algorithms developed to predict the effect of missense changes on protein structure and function output the following: SIFT: "Tolerated"; PolyPhen-2: "Benign"; Align-GVGD: "Class C0". The alanine amino acid residue is found in multiple mammalian species, which suggests that this missense change does not adversely affect protein function. In summary, the available evidence is currently insufficient to determine the role of this variant in disease. Therefore, it has been classified as a Variant of Uncertain Significance.

NM_001692.4(ATP6V1B1):c.1505G>C (p.Gly502Ala)

Gene: ATP6V1B1 (ATPase H+ transporting V1 subunit B1; plus strand). Cytogenetic location: 2p13.3.
Variant type: single nucleotide variant.
Coding change: c.1505G>C on transcript NM_001692.4 (MANE Select); coding-DNA position 1505, G replaced by C.
Protein change: p.Gly502Ala; replaces glycine 502 with alanine.
Molecular consequence: missense variant.
Genome position (GRCh38, 1-based): chr2:70,965,084, G>C. VCF-style: chr2-70965084-G-C. GRCh37 (hg19) VCF-style: chr2-71192214-G-C.
Other names: c.1505G>C (NM_001692.3); short protein forms G502A.
Identifiers: ClinVar variation 2142311 (VCV002142311.3), dbSNP rs1334051270, ClinGen allele CA347190170.
Genomic context (GRCh38, chr2:70,965,084, plus strand): 5'-CCAAGGAGATGCTGAAGCGCATTCCGCAGGCCGTGATCGACGAGTTCTATTCCCGCGAGG[G>C]GGCGCTGCAGGACCTCGCGCCTGACACTGCGCTCTAGCCCCGCGCGCCGTGGCACCCCAA-3'
Protein context (NP_001683.2, residues 492-512): AVIDEFYSRE[Gly502Ala]ALQDLAPDTA